The following is an entry in ClinVar:

NM_173854.6(SLC41A1):c.156G>T (p.Glu52Asp)

Gene: SLC41A1 (solute carrier family 41 member 1; minus strand). Cytogenetic location: 1q32.1.
Variant type: single nucleotide variant.
Coding change: c.156G>T on transcript NM_173854.6 (MANE Select); coding-DNA position 156, G replaced by T.
Protein change: p.Glu52Asp; replaces glutamic acid 52 with aspartic acid.
Molecular consequence: missense variant.
Genome position (GRCh38, 1-based): chr1:205,810,286, C>A on the plus strand (G>T on the coding strand, the complement: SLC41A1 is on the minus strand). VCF-style: chr1-205810286-C-A. GRCh37 (hg19) VCF-style: chr1-205779414-C-A.
Other names: short protein forms E52D.
Identifiers: ClinVar variation 2167180 (VCV002167180.4), dbSNP rs1455087665, ClinGen allele CA344437091.

ClinVar aggregate classification (germline): Uncertain significance (1 of 4 stars; one submission).

Allele frequency attached by ClinVar (database versions not stated): TOPMed below 0.00001; gnomAD 0.00001; gnomAD exomes 0.00001.
gnomAD v4.1: 7 of 1,614,086 alleles (0.00043%); highest among the groups gnomAD compares: Admixed American, 0.01%; no homozygotes.

Submission:

Labcorp Genetics (formerly Invitae), Labcorp
Classification: Uncertain significance. Last evaluated: 2025-12-03. Review status: criteria provided, single submitter. Criteria: Invitae Variant Classification Sherloc (09022015). Collection method: clinical testing. Allele origin: germline.
Comment: This sequence change replaces glutamic acid, which is acidic and polar, with aspartic acid, which is acidic and polar, at codon 52 of the SLC41A1 protein (p.Glu52Asp). This variant is not present in population databases (gnomAD no frequency). This variant has not been reported in the literature in individuals affected with SLC41A1-related conditions. ClinVar contains an entry for this variant (Variation ID: 2167180). An algorithm developed to predict the effect of missense changes on protein structure and function (PolyPhen-2) suggests that this variant is likely to be tolerated. In summary, the available evidence is currently insufficient to determine the role of this variant in disease. Therefore, it has been classified as a Variant of Uncertain Significance.